The following is an entry in ClinVar:

ClinVar aggregate classification (germline): Conflicting classifications of pathogenicity. Review status: criteria provided, conflicting classifications (1 of 4 stars). 3 submissions from 3 submitters: Uncertain significance (2); Likely benign (1). Last evaluated 2024-01-16.

Conditions:
Hereditary cancer-predisposing syndrome. Also called: Neoplastic Syndromes, Hereditary; Hereditary Cancer Syndrome; Hereditary neoplastic syndrome; Tumor predisposition. Identifiers: Orphanet 140162, MedGen C0027672, MeSH D009386, MONDO:0015356.
Hereditary diffuse gastric adenocarcinoma (HDGC). Also called: DIFFUSE GASTRIC AND LOBULAR BREAST CANCER SYNDROME. Identifiers: Orphanet 26106, MedGen C1708349, MONDO:0007648, OMIM 137215.

Submissions (3):

Ambry Genetics
Classification: Likely benign for Hereditary cancer-predisposing syndrome. Last evaluated: 2024-01-16. Review status: criteria provided, single submitter. Criteria: Ambry Variant Classification Scheme 2023. Collection method: clinical testing. Allele origin: germline.

Labcorp Genetics (formerly Invitae), Labcorp
Classification: Uncertain significance for Hereditary diffuse gastric adenocarcinoma. Last evaluated: 2023-10-30. Review status: criteria provided, single submitter. Criteria: Invitae Variant Classification Sherloc (09022015). Collection method: clinical testing. Allele origin: germline.
Comment: This sequence change replaces proline, which is neutral and non-polar, with threonine, which is neutral and polar, at codon 385 of the CDH1 protein (p.Pro385Thr). This variant is not present in population databases (gnomAD no frequency). This variant has not been reported in the literature in individuals affected with CDH1-related conditions. ClinVar contains an entry for this variant (Variation ID: 141261). An algorithm developed to predict the effect of missense changes on protein structure and function (PolyPhen-2) suggests that this variant is likely to be tolerated. In summary, the available evidence is currently insufficient to determine the role of this variant in disease. Therefore, it has been classified as a Variant of Uncertain Significance.

GeneDx
Classification: Uncertain significance. Last evaluated: 2022-06-28. Review status: criteria provided, single submitter. Criteria: GeneDx Variant Classification Process June 2021. Collection method: clinical testing. Allele origin: germline. Affected: yes.
Comment: Not observed at significant frequency in large population cohorts (gnomAD); In silico analysis supports that this missense variant has a deleterious effect on protein structure/function; Has not been previously published as pathogenic or benign to our knowledge; This variant is associated with the following publications: (PMID: 15235021, 22850631)

NM_004360.5(CDH1):c.1153C>A (p.Pro385Thr)

Gene: CDH1 (cadherin 1; plus strand). Cytogenetic location: 16q22.1.
Variant type: single nucleotide variant.
Coding change: c.1153C>A on transcript NM_004360.5 (MANE Select); coding-DNA position 1153, C replaced by A.
Protein change: p.Pro385Thr; replaces proline 385 with threonine.
Molecular consequence: missense variant. On other transcripts: 5 prime UTR variant (2), intron variant (1).
Genome position (GRCh38, 1-based): chr16:68,813,328, C>A. VCF-style: chr16-68813328-C-A. GRCh37 (hg19) VCF-style: chr16-68847231-C-A.
Other names: c.1153C>A (LRG_301t1); c.-463C>A (NM_001317185.2); c.-667C>A (NM_001317186.2); c.1137+1065C>A (NM_001317184.2); short protein forms P385T.
Identifiers: ClinVar variation 141261 (VCV000141261.17), dbSNP rs587781612, ClinGen allele CA164944.